The following is an entry in ClinVar:

NM_001144758.3(PHLDB1):c.3974G>A (p.Arg1325His)

Gene: PHLDB1 (pleckstrin homology like domain family B member 1; plus strand). Cytogenetic location: 11q23.3.
Variant type: single nucleotide variant.
Coding change: c.3974G>A on transcript NM_001144758.3 (MANE Select); coding-DNA position 3974, G replaced by A.
Protein change: p.Arg1325His; replaces arginine 1325 with histidine.
Molecular consequence: missense variant. On other transcripts: intron variant (1).
Genome position (GRCh38, 1-based): chr11:118,655,873, G>A. VCF-style: chr11-118655873-G-A. GRCh37 (hg19) VCF-style: chr11-118526583-G-A.
Other names: c.3974G>A, p.Arg1325His (NM_015157.4); c.3819+183G>A (NM_001144759.3); short protein forms R1325H.
Identifiers: ClinVar variation 2642444 (VCV002642444.24), dbSNP rs148871740, ClinGen allele CA6307596.

ClinVar aggregate classification (germline): Likely benign (1 of 4 stars; one submission).

Allele frequency attached by ClinVar (database versions not stated): 1000 Genomes Project 0.00160; 1000 Genomes Project 30x 0.00203; ExAC 0.00315; gnomAD 0.00360; TOPMed 0.00374; ESP Exome Variant Server 0.00408; gnomAD exomes 0.00568.
gnomAD v4.1: 8,777 of 1,612,142 alleles (0.54%); highest among the groups gnomAD compares: Non-Finnish European, 0.67%; 26 homozygotes.

Submission:

CeGaT Center for Human Genetics Tuebingen
Classification: Likely benign. Last evaluated: 2023-03-01. Review status: criteria provided, single submitter. Criteria: CeGaT Center For Human Genetics Tuebingen Variant Classification Criteria Version 2. Collection method: clinical testing. Allele origin: germline. Affected: yes. Observed: 1 variant allele.
Comment: PHLDB1: BP4, BS2